The following is an entry in ClinVar:

NM_021232.2(PRODH2):c.1361G>A (p.Gly454Glu)

Gene: PRODH2 (proline dehydrogenase 2; minus strand). Cytogenetic location: 19q13.12.
Variant type: single nucleotide variant.
Coding change: c.1361G>A on transcript NM_021232.2 (MANE Select); coding-DNA position 1361, G replaced by A.
Protein change: p.Gly454Glu; replaces glycine 454 with glutamic acid.
Molecular consequence: missense variant. On other transcripts: 3 prime UTR variant (2).
Genome position (GRCh38, 1-based): chr19:35,800,060, C>T on the plus strand (G>A on the coding strand, the complement: PRODH2 is on the minus strand). VCF-style: chr19-35800060-C-T. GRCh37 (hg19) VCF-style: chr19-36290962-C-T.
Other names: c.1205G>A, p.Gly402Glu (NM_001378292.1); c.*138G>A (NM_001378293.1, NM_001378294.1); short protein forms G402E, G454E.
Identifiers: ClinVar variation 2649760 (VCV002649760.24), dbSNP rs1338239530, ClinGen allele CA405398634.
Genomic context (GRCh38, chr19:35,800,060, plus strand): 5'-TAAGGACTTTTATTGACCACATGACCCCCTCAGGGGTGCTAGTGGGGTATCCTTCGGCAT[C>T]CTGGCAGCAGCCGCCGCCACAGTTCTTGGCTGAGCAGCTCCTGTTCCCTGCGGGCACCCT-3'
Protein context (NP_067055.2, residues 444-460): SQELWRRLLP[Gly454Glu]CRRIPH

ClinVar aggregate classification (germline): Uncertain significance (1 of 4 stars; one submission).

Submission:

CeGaT Center for Human Genetics Tuebingen
Classification: Uncertain significance. Last evaluated: 2022-10-01. Review status: criteria provided, single submitter. Criteria: CeGaT Center For Human Genetics Tuebingen Variant Classification Criteria Version 2. Collection method: clinical testing. Allele origin: germline. Affected: yes. Observed: 1 variant allele.
Comment: PRODH2: PM2, BP4